The following is an entry in ClinVar:

NM_001354930.2(RIPK1):c.460-13_460-12del

Gene: RIPK1 (receptor interacting serine/threonine kinase 1; plus strand). Cytogenetic location: 6p25.2.
Variant type: Deletion.
Coding change: c.460-13_460-12del on transcript NM_001354930.2 (MANE Select); 13 bases into the intron before coding-DNA position 460 through 12 bases into the intron before coding-DNA position 460, 2 bases deleted (AT; older notation c.460-13_460-12delAT).
Molecular consequence: intron variant.
Genome position (GRCh38, 1-based): chr6:3,083,072-3,083,073, AT deleted. VCF-style (leftmost placement, unchanged base first): chr6-3083071-AAT-A. GRCh37 (hg19) VCF-style: chr6-3083305-AAT-A.
Other names: c.460-13_460-12del (NM_003804.6); c.322-13_322-12del (NM_001354931.2); c.-30-13_-30-12del (NM_001354934.2, NM_001354933.2, NM_001317061.3 and 1 more transcripts).
Identifiers: ClinVar variation 2696847 (VCV002696847.3), dbSNP rs2533197953, ClinGen allele CA2555781267.

ClinVar aggregate classification (germline): Uncertain significance (1 of 4 stars; one submission).

Allele frequency attached by ClinVar (database versions not stated): gnomAD exomes below 0.00001.

Submission:

Labcorp Genetics (formerly Invitae), Labcorp
Classification: Uncertain significance. Last evaluated: 2024-12-07. Review status: criteria provided, single submitter. Criteria: Invitae Variant Classification Sherloc (09022015). Collection method: clinical testing. Allele origin: germline.
Comment: This sequence change falls in intron 4 of the RIPK1 gene. It does not directly change the encoded amino acid sequence of the RIPK1 protein. This variant is not present in population databases (gnomAD no frequency). This variant has not been reported in the literature in individuals affected with RIPK1-related conditions. ClinVar contains an entry for this variant (Variation ID: 2696847). Algorithms developed to predict the effect of sequence changes on RNA splicing suggest that this variant may disrupt the consensus splice site. In summary, the available evidence is currently insufficient to determine the role of this variant in disease. Therefore, it has been classified as a Variant of Uncertain Significance.